The following is an entry in ClinVar:

NC_000020.10:g.(35575208_35579838)_(35580247_?)del

Gene: SAMHD1 (SAM and HD domain containing deoxynucleoside triphosphate triphosphohydrolase 1; minus strand). Cytogenetic location: 20q11.23.
Variant type: Deletion.
Identifiers: ClinVar variation 1677234 (VCV001677234.1).

ClinVar aggregate classification (germline): Pathogenic (1 of 4 stars; one submission).

Conditions:
Aicardi Goutieres syndrome (AGS). Also called: Encephalopathy, familial infantile, with calcification of basal ganglia and chronic cerebrospinal fluid lymphocytosis. Identifiers: Orphanet 51, MedGen C0393591, MONDO:0018866.

Submission:

Women's Health and Genetics/Laboratory Corporation of America, LabCorp
Classification: Pathogenic for Aicardi Goutieres syndrome. Last evaluated: 2022-03-31. Review status: criteria provided, single submitter. Criteria: LabCorp Variant Classification Summary - May 2015. Collection method: clinical testing. Allele origin: germline.
Comment: Variant summary: The variant identified by MLPA or other technology involves the deletion of exon 1 that contains the canonical translation initiation codon of the SAMHD1 gene. A presumed nomenclature of c.(?_-201)_(208+1_209-1)del has been designated for the purposes of this classification. Although exact breakpoints of this deletion are not known, it is expected to result in an absent or shortened protein product, a known mechanism of disease. A large deletion that includes exon 1 of the SAMHD1 gene, and extends upstream from the gene about 6 kbp was found at a frequency of 9.2e-05 in 21694 control chromosomes (i.e. 2/21694 alleles in the gnomAD structural variants dataset). A variant, described as c.-6085_208+2691del (i.e. a ~9 kbp deletion) has been reported in the literature in multiple homozygous- and compound heterozygous individuals affected with Aicardi Goutieres Syndrome (e.g. Ramesh_2010, Leshinsky-Silver_2011, Rice_2013), and is considered an Ashkenazi Jewish founder mutation (Rice_2013). These data indicate that the variant is very likely to be associated with disease. To our knowledge, no experimental evidence demonstrating an impact on protein function has been reported. At least one clinical diagnostic laboratory has submitted clinical-significance assessments for this variant to ClinVar after 2014, and classified the variant as pathogenic. Based on the evidence outlined above, the variant was classified as pathogenic.

Literature cited by the submitters: PubMed 24183309; PubMed 21102625; PubMed 20653736.